The following is an entry in ClinVar:

NM_020442.6(VARS2):c.3036C>G (p.Ser1012Arg)

Gene: VARS2 (valyl-tRNA synthetase 2, mitochondrial; plus strand). Cytogenetic location: 6p21.33.
Variant type: single nucleotide variant.
Coding change: c.3036C>G on transcript NM_020442.6 (MANE Select); coding-DNA position 3036, C replaced by G.
Protein change: p.Ser1012Arg; replaces serine 1012 with arginine.
Molecular consequence: missense variant.
Genome position (GRCh38, 1-based): chr6:30,925,954, C>G. VCF-style: chr6-30925954-C-G. GRCh37 (hg19) VCF-style: chr6-30893731-C-G.
Other names: c.2616C>G, p.Ser872Arg (NM_001167733.3); c.3126C>G, p.Ser1042Arg (NM_001167734.2); short protein forms S1012R, S1042R, S872R.
Identifiers: ClinVar variation 426874 (VCV000426874.5), dbSNP rs758429375, ClinGen allele CA3706437.

ClinVar aggregate classification (germline): Uncertain significance. Review status: criteria provided, multiple submitters, no conflicts (2 of 4 stars). 3 submissions from 3 submitters: Uncertain significance (3). Last evaluated 2022-04-08.

Allele frequency attached by ClinVar (database versions not stated): ExAC 0.00001; TOPMed 0.00004; gnomAD 0.00006.
gnomAD v4.1: 20 of 1,612,966 alleles (0.0012%); highest among the groups gnomAD compares: African/African-American, 0.02%; no homozygotes.

Submissions (3):

Labcorp Genetics (formerly Invitae), Labcorp
Classification: Uncertain significance. Last evaluated: 2022-04-08. Review status: criteria provided, single submitter. Criteria: Invitae Variant Classification Sherloc (09022015). Collection method: clinical testing. Allele origin: germline.
Comment: This sequence change replaces serine, which is neutral and polar, with arginine, which is basic and polar, at codon 1042 of the VARS2 protein (p.Ser1042Arg). This variant is present in population databases (rs758429375, gnomAD 0.02%). This variant has not been reported in the literature in individuals affected with VARS2-related conditions. ClinVar contains an entry for this variant (Variation ID: 426874). Algorithms developed to predict the effect of missense changes on protein structure and function (SIFT, PolyPhen-2, Align-GVGD) all suggest that this variant is likely to be tolerated. In summary, the available evidence is currently insufficient to determine the role of this variant in disease. Therefore, it has been classified as a Variant of Uncertain Significance.

GeneDx
Classification: Uncertain significance. Last evaluated: 2018-07-13. Review status: criteria provided, single submitter. Criteria: GeneDx Variant Classification (06012015). Collection method: clinical testing. Allele origin: germline. Affected: yes.
Comment: The S1042R variant in the VARS2 gene has not been reported previously as a pathogenic variant, nor as a benign variant, to our knowledge. This variant is not observed at a significant frequency in large population cohorts (Lek et al., 2016; 1000 Genomes Consortium et al., 2015; Exome Variant Server). The S1042R variant is a semi-conservative amino acid substitution, which may impact secondary protein structure as these residues differ in some properties. This substitution occurs at a position that is not conserved. In silico analysis is inconsistent in its predictions as to whether or not the variant is damaging to the protein structure/function. We interpret S1042R as a variant of uncertain significance.

Breakthrough Genomics
Classification: Uncertain significance. Review status: criteria provided, single submitter. Criteria: ACMG Guidelines, 2015. Collection method: not provided. Allele origin: germline. Inheritance: Autosomal recessive inheritance. Affected: yes.